The following is an entry in ClinVar:

ClinVar aggregate classification (germline): Uncertain significance. Review status: criteria provided, multiple submitters, no conflicts (2 of 4 stars). 2 submissions from 2 submitters: Uncertain significance (2). Last evaluated 2024-03-06.

Conditions:
Cardiomyopathy (CMYO). Also called: Cardiomyopathies. Identifiers: Orphanet 167848, MedGen C0878544, MONDO:0004994, HP:0001638. Inheritance: Various modes of inheritance.

Submissions (2):

Color Diagnostics, LLC DBA Color Health
Classification: Uncertain significance for Cardiomyopathy. Last evaluated: 2024-03-06. Review status: criteria provided, single submitter. Criteria: ACMG Guidelines, 2015. Collection method: clinical testing. Allele origin: germline.
Comment: This missense variant replaces threonine with isoleucine at codon 1188 of the MYH7 protein. Computational prediction is inconclusive regarding the impact of this variant on protein structure and function (internally defined REVEL score threshold 0.5 < inconclusive < 0.7, PMID: 27666373). To our knowledge, functional studies have not been reported for this variant. This variant has not been reported in individuals affected with cardiovascular disorders in the literature. This variant has not been identified in the general population by the Genome Aggregation Database (gnomAD). The available evidence is insufficient to determine the role of this variant in disease conclusively. Therefore, this variant is classified as a Variant of Uncertain Significance.

All of Us Research Program, National Institutes of Health
Classification: Uncertain significance for Cardiomyopathy. Last evaluated: 2023-08-15. Review status: criteria provided, single submitter. Criteria: ACMG Guidelines, 2015. Collection method: clinical testing. Allele origin: germline. Inheritance: Autosomal dominant inheritance. Observed: 1 variant allele, 1 heterozygote.
Comment: This study involves interpretation of variants in research participants for the purpose of population health screening. Participant phenotype was not available at the time of variant classification. Additional details can be found in publication PMID: 35346344, PMCID: PMC8962531

NM_000257.4(MYH7):c.3563C>T (p.Thr1188Ile)

Gene: MYH7 (myosin heavy chain 7; minus strand). Cytogenetic location: 14q11.2.
Variant type: single nucleotide variant.
Coding change: c.3563C>T on transcript NM_000257.4 (MANE Select); coding-DNA position 3563, C replaced by T.
Protein change: p.Thr1188Ile; replaces threonine 1188 with isoleucine.
Molecular consequence: missense variant.
Genome position (GRCh38, 1-based): chr14:23,420,008, G>A on the plus strand (C>T on the coding strand, the complement: MYH7 is on the minus strand). VCF-style: chr14-23420008-G-A. GRCh37 (hg19) VCF-style: chr14-23889217-G-A.
Other names: short protein forms T1188I.
Identifiers: ClinVar variation 629402 (VCV000629402.7), dbSNP rs1566527771, ClinGen allele CA389043459.